The following is an entry in ClinVar:

ClinVar aggregate classification (germline): Likely pathogenic (1 of 4 stars; one submission).

Conditions:
Cardiovascular phenotype. Identifiers: MedGen CN230736.

Submission:

Ambry Genetics
Classification: Likely pathogenic for Cardiovascular phenotype. Last evaluated: 2025-02-11. Review status: criteria provided, single submitter. Criteria: Ambry Variant Classification Scheme 2023. Collection method: clinical testing. Allele origin: germline.
Comment: The c.68248delG (p.E22750Kfs*29) alteration, located in exon 172 (coding exon 171) of the TTN gene, consists of a deletion of one nucleotide at position 68248, causing a translational frameshift with a predicted alternate stop codon after 29 amino acids. This alteration is expected to result in loss of function by premature protein truncation or nonsense-mediated mRNA decay. This variant was not reported in population-based cohorts in the Genome Aggregation Database (gnomAD). This exon is located in the A-band region of the N2-B isoform of the titin protein and is constitutively expressed in TTN transcripts (percent spliced in or PSI 100%). Based on the available evidence, this alteration is classified as likely pathogenic.

NM_001267550.2(TTN):c.95443del (p.Glu31815fs)

Genes: TTN (titin; minus strand), TTN-AS1 (TTN antisense RNA 1; plus strand). Cytogenetic location: 2q31.2.
Variant type: Deletion.
Coding change: c.95443del on transcript NM_001267550.2 (MANE Select); coding-DNA position 95443, one base deleted (G; older notation c.95443delG).
Protein change: p.Glu31815fs; shifts the reading frame from glutamic acid 31815.
Molecular consequence: frameshift variant.
Genome position (GRCh38, 1-based): chr2:178,545,667, C deleted on the plus strand (G on the coding strand, the reverse complement: TTN is on the minus strand). VCF-style (leftmost placement, unchanged base first): chr2-178545666-TC-T. GRCh37 (hg19) VCF-style: chr2-179410393-TC-T.
Other names: c.90520del, p.Glu30174fs (NM_001256850.1); c.68248del, p.Glu22750fs (NM_003319.4); c.87739del, p.Glu29247fs (NM_133378.4); c.68623del, p.Glu22875fs (NM_133432.3); c.68824del, p.Glu22942fs (NM_133437.4); c.68248delG (NM_003319.4); short protein forms E29247fs, E22875fs, E22750fs, E30174fs, E22942fs, E31815fs.
Identifiers: ClinVar variation 3812315 (VCV003812315.1).